The following is an entry in ClinVar:

NM_000153.4(GALC):c.1251+75T>C

Gene: GALC (galactosylceramidase; minus strand). Cytogenetic location: 14q31.3.
Variant type: single nucleotide variant.
Coding change: c.1251+75T>C on transcript NM_000153.4 (MANE Select); 75 bases into the intron after coding-DNA position 1251, T replaced by C.
Molecular consequence: intron variant.
Genome position (GRCh38, 1-based): chr14:87,950,584, A>G on the plus strand (T>C on the coding strand, the complement: GALC is on the minus strand). VCF-style: chr14-87950584-A-G. GRCh37 (hg19) VCF-style: chr14-88416928-A-G.
Other names: c.618+75T>C (NM_001424076.1, NM_001424077.1); c.1173+75T>C (NM_001201402.2); c.1182+75T>C (NM_001201401.2); c.903+75T>C (NM_001424075.1, NM_001424074.1); c.1083+75T>C (NM_001424072.1, NM_001424073.1, NM_001424071.1).
Identifiers: ClinVar variation 4882991 (VCV004882991.2).

ClinVar aggregate classification (germline): Uncertain significance (1 of 4 stars; one submission).

gnomAD v4.1: 5 of 916,450 alleles (0.00055%); highest among the groups gnomAD compares: Non-Finnish European, 0.00053%; no homozygotes.

Submission:

Dasa
Classification: Uncertain significance. Last evaluated: 2026-04-15. Review status: criteria provided, single submitter. Criteria: DASA Assertion Criteria. Collection method: clinical testing. Allele origin: germline.
Comment: NM_000153.4(GALC):c.1251+75T>C is an intronic variant. This variant is rare in population databases. The currently available literature and clinical evidence are not sufficient to establish a definitive association between this variant and the reported condition. Therefore, this variant is classified as a variant of uncertain significance.